The following is an entry in ClinVar:

ClinVar aggregate classification (germline): Likely pathogenic (1 of 4 stars; one submission).

Conditions:
Charlevoix-Saguenay spastic ataxia (SACS). Also called: AUTOSOMAL RECESSIVE SPASTIC ATAXIA OF CHARLEVOIX-SAGUENAY; Spastic ataxia of Charlevoix-Saguenay; SPASTIC ATAXIA 6, AUTOSOMAL RECESSIVE. Identifiers: Orphanet 98, MedGen C1849140, MONDO:0010041, OMIM 270550.

Submission:

Natera, Inc.
Classification: Likely pathogenic for Charlevoix-Saguenay type spastic ataxia. Last evaluated: 2024-08-07. Review status: criteria provided, single submitter. Criteria: Natera Variant Classification Schema (03/2026). Collection method: clinical testing. Allele origin: germline.
Comment: The c.6465del variant in SACS is a frameshift variant predicted to shift the reading frame beginning at codon 2156 and leads to a stop codon 9 codons downstream. This variant is expected to result in nonsense mediated decay, truncation, or a dysfunctional protein product. This variant is rare in the general population with a frequency below the threshold expected for the associated phenotype(s). This variant has been observed in one or more individuals affected with the associated recessive disease, as either homozygous or compound heterozygous with a second variant (PMID: 29417091). Given the available evidence, this variant is classified as Likely Pathogenic.

Literature cited by the submitters: PubMed 29417091.

NM_014363.6(SACS):c.6465del (p.Asp2156fs)

Gene: SACS (sacsin molecular chaperone; minus strand). Cytogenetic location: 13q12.12.
Variant type: Deletion.
Coding change: c.6465del on transcript NM_014363.6 (MANE Select); coding-DNA position 6465, one base deleted (A; older notation c.6465delA).
Protein change: p.Asp2156fs; shifts the reading frame from aspartic acid 2156.
Molecular consequence: frameshift variant.
Genome position (GRCh38, 1-based): chr13:23,337,411, T deleted on the plus strand (A on the coding strand, the reverse complement: SACS is on the minus strand); the first of 4 consecutive T bases (chr13:23,337,411-23,337,414); deleting any one gives the same sequence. VCF-style (leftmost placement, unchanged base first): chr13-23337410-CT-C. GRCh37 (hg19) VCF-style: chr13-23911549-CT-C.
Other names: c.6024del, p.Asp2009fs (NM_001278055.2); c.6492del, p.Asp2165fs (NM_001437336.1); short protein forms D2009fs, D2156fs, D2165fs.
Identifiers: ClinVar variation 4815710 (VCV004815710.1).